The following is an entry in ClinVar:

NM_032119.4(ADGRV1):c.13615G>C (p.Val4539Leu)

Gene: ADGRV1 (adhesion G protein-coupled receptor V1; plus strand). Cytogenetic location: 5q14.3.
Variant type: single nucleotide variant.
Coding change: c.13615G>C on transcript NM_032119.4 (MANE Select); coding-DNA position 13615, G replaced by C.
Protein change: p.Val4539Leu; replaces valine 4539 with leucine.
Molecular consequence: missense variant. On other transcripts: non-coding transcript variant (1).
Genome position (GRCh38, 1-based): chr5:90,784,019, G>C. VCF-style: chr5-90784019-G-C. GRCh37 (hg19) VCF-style: chr5-90079836-G-C.
Other names: short protein forms V4539L.
Identifiers: ClinVar variation 1024219 (VCV001024219.9), dbSNP rs367954083, ClinGen allele CA360395317.

ClinVar aggregate classification (germline): Uncertain significance. Review status: criteria provided, multiple submitters, no conflicts (2 of 4 stars). 2 submissions from 2 submitters: Uncertain significance (2). Last evaluated 2024-12-29.

Allele frequency attached by ClinVar (database versions not stated): gnomAD exomes below 0.00001.
gnomAD v4.1: 5 of 1,612,832 alleles (0.00031%); highest among the groups gnomAD compares: African/African-American, 0.004%; no homozygotes.

Submissions (2):

Labcorp Genetics (formerly Invitae), Labcorp
Classification: Uncertain significance. Last evaluated: 2024-12-29. Review status: criteria provided, single submitter. Criteria: Invitae Variant Classification Sherloc (09022015). Collection method: clinical testing. Allele origin: germline.
Comment: This sequence change replaces valine, which is neutral and non-polar, with leucine, which is neutral and non-polar, at codon 4539 of the ADGRV1 protein (p.Val4539Leu). This variant is not present in population databases (gnomAD no frequency). This variant has not been reported in the literature in individuals affected with ADGRV1-related conditions. ClinVar contains an entry for this variant (Variation ID: 1024219). Invitae Evidence Modeling of protein sequence and biophysical properties (such as structural, functional, and spatial information, amino acid conservation, physicochemical variation, residue mobility, and thermodynamic stability) indicates that this missense variant is not expected to disrupt ADGRV1 protein function with a negative predictive value of 95%. In summary, the available evidence is currently insufficient to determine the role of this variant in disease. Therefore, it has been classified as a Variant of Uncertain Significance.

Blueprint Genetics
Classification: Uncertain significance. Last evaluated: 2024-09-16. Review status: criteria provided, single submitter. Criteria: ACMG Guidelines, 2015. Collection method: clinical testing. Allele origin: germline.